The following is an entry in ClinVar:

ClinVar aggregate classification (germline): Uncertain significance. Review status: criteria provided, multiple submitters, no conflicts (2 of 4 stars). 9 submissions from 7 submitters: Uncertain significance (7). 2 of the submissions do not count toward it. Last evaluated 2026-02-02.

Conditions:
CRB1-related disorder. Also called: CRB1-related disorders; CRB1-related condition.
Retinitis pigmentosa 12 (RP12). Also called: RP WITH OR WITHOUT PRESERVED PARAARTERIOLE RETINAL PIGMENT EPITHELIUM; RETINITIS PIGMENTOSA WITH OR WITHOUT PARAARTERIOLAR PRESERVATION OF RETINAL PIGMENT EPITHELIUM; RP WITH OR WITHOUT PPRPE. Identifiers: Orphanet 791, MedGen C1838647, MONDO:0010818, OMIM 600105.
Leber congenital amaurosis 8 (LCA8). Identifiers: Orphanet 65, MedGen C3151202, MONDO:0013453, OMIM 613835.
Pigmented paravenous retinochoroidal atrophy. Identifiers: Orphanet 251295, MedGen C1868310, MONDO:0008246, OMIM 172870.
Retinitis pigmentosa (RP). Identifiers: Orphanet 791, MedGen C0035334, MeSH D012174, MONDO:0019200, OMIM 268000. Inheritance: Autosomal dominant, autosomal recessive and X linked inheritance.
Leber congenital amaurosis (LCA). Also called: Leber's amaurosis. Identifiers: Orphanet 65, MedGen C0339527, MeSH D057130, MONDO:0018998.

Allele frequency attached by ClinVar (database versions not stated): gnomAD below 0.00001 and 0.00002; gnomAD exomes 0.00003 and 0.00008; ExAC 0.00013; 1000 Genomes Project 30x 0.00031; 1000 Genomes Project 0.00040.
gnomAD v4.1: 42 of 1,613,902 alleles (0.0026%); highest among the groups gnomAD compares: South Asian, 0.042%; no homozygotes.

Submissions (9):

PreventionGenetics, part of Exact Sciences
Classification: Uncertain significance for CRB1-related condition. Last evaluated: 2026-02-02. Review status: criteria provided, single submitter. Criteria: ACMG Guidelines, 2015. Collection method: clinical testing. Allele origin: germline.
Comment: The CRB1 c.2839G>A variant is predicted to result in the amino acid substitution p.Glu947Lys. This variant has been reported in the homozygous state or along with a second CRB1 variant in individuals with retinal disease (Table S2, Carss et al. 2017. PubMed ID: 28041643; Supplemental, Turro et al. 2020. PubMed ID: 32581362; Table S1, Lin et al. 2024. PubMed ID: 38219857). This variant is predicted damaging to the encoded protein (Liu et al. 2016. PMID:26555599). This variant is present in 0.065% of alleles in individuals of South Asian descent in gnomAD. Although we suspect that this variant may be pathogenic for autosomal recessive disease, at this time, the clinical significance of this variant is uncertain due to the absence of conclusive functional and genetic evidence.

Labcorp Genetics (formerly Invitae), Labcorp
Classification: Uncertain significance for Leber congenital amaurosis 8; Retinitis pigmentosa 12. Last evaluated: 2025-12-01. Review status: criteria provided, single submitter. Criteria: Invitae Variant Classification Sherloc (09022015). Collection method: clinical testing. Allele origin: germline.
Comment: This sequence change replaces glutamic acid, which is acidic and polar, with lysine, which is basic and polar, at codon 947 of the CRB1 protein (p.Glu947Lys). This variant is present in population databases (rs574162883, gnomAD 0.06%). This missense change has been observed in individual(s) with autosomal recessive retinitis pigmentosa (PMID: 28041643, 38219857). ClinVar contains an entry for this variant (Variation ID: 438077). Invitae Evidence Modeling of protein sequence and biophysical properties (such as structural, functional, and spatial information, amino acid conservation, physicochemical variation, residue mobility, and thermodynamic stability) indicates that this missense variant is not expected to disrupt CRB1 protein function with a negative predictive value of 80%. In summary, the available evidence is currently insufficient to determine the role of this variant in disease. Therefore, it has been classified as a Variant of Uncertain Significance.

Blueprint Genetics
Classification: Uncertain significance. Last evaluated: 2024-09-11. Review status: criteria provided, single submitter. Criteria: ACMG Guidelines, 2015. Collection method: clinical testing. Allele origin: germline.

Genome-Nilou Lab
Classification: Uncertain significance for Leber congenital amaurosis 8. Last evaluated: 2023-04-11. Review status: criteria provided, single submitter. Criteria: ACMG Guidelines, 2015. Collection method: clinical testing. Allele origin: germline. Affected: no.

Genome-Nilou Lab
Classification: Uncertain significance for Pigmented paravenous retinochoroidal atrophy. Last evaluated: 2023-04-11. Review status: criteria provided, single submitter. Criteria: ACMG Guidelines, 2015. Collection method: clinical testing. Allele origin: germline. Affected: no.

Genome-Nilou Lab
Classification: Uncertain significance for Retinitis pigmentosa 12. Last evaluated: 2023-04-11. Review status: criteria provided, single submitter. Criteria: ACMG Guidelines, 2015. Collection method: clinical testing. Allele origin: germline. Affected: no.

Fulgent Genetics
Classification: Uncertain significance for Pigmented paravenous retinochoroidal atrophy; Retinitis pigmentosa 12; Leber congenital amaurosis 8. Last evaluated: 2022-05-05. Review status: criteria provided, single submitter. Criteria: ACMG Guidelines, 2015. Collection method: clinical testing. Allele origin: unknown.

Natera, Inc.
Classification: Uncertain significance for Leber congenital amaurosis. Last evaluated: 2020-01-15. Review status: no assertion criteria provided. Collection method: clinical testing. Allele origin: germline. Not counted in ClinVar's aggregate classification.

NIHR Bioresource Rare Diseases, University of Cambridge
Classification: Likely pathogenic for Retinitis pigmentosa. Last evaluated: 2015-01-01. Review status: no assertion criteria provided. Collection method: research. Allele origin: unknown. Affected: yes. Observed: 1 variant allele. Not counted in ClinVar's aggregate classification.

Literature cited by the submitters: PubMed 28041643 (cited by Labcorp Genetics (formerly Invitae), Labcorp and NIHR Bioresource Rare Diseases, University of Cambridge); PubMed 38219857 (cited by Labcorp Genetics (formerly Invitae), Labcorp).

NM_201253.3(CRB1):c.2839G>A (p.Glu947Lys)

Gene: CRB1 (crumbs cell polarity complex component 1; plus strand). Cytogenetic location: 1q31.3.
Variant type: single nucleotide variant.
Coding change: c.2839G>A on transcript NM_201253.3 (MANE Select); coding-DNA position 2839, G replaced by A.
Protein change: p.Glu947Lys; replaces glutamic acid 947 with lysine.
Molecular consequence: missense variant. On other transcripts: non-coding transcript variant (2), intron variant (1).
Genome position (GRCh38, 1-based): chr1:197,429,611, G>A. VCF-style: chr1-197429611-G-A. GRCh37 (hg19) VCF-style: chr1-197398741-G-A.
Other names: c.2503G>A, p.Glu835Lys (NM_001193640.2); c.2767G>A, p.Glu923Lys (NM_001257965.2); c.2129-5989G>A (NM_001257966.2); short protein forms E947K, E835K, E923K.
Identifiers: ClinVar variation 438077 (VCV000438077.10), dbSNP rs574162883, ClinGen allele CA1312220.